The following is an entry in ClinVar:

ClinVar aggregate classification (germline): Uncertain significance. Review status: criteria provided, multiple submitters, no conflicts (2 of 4 stars). 2 submissions from 2 submitters: Uncertain significance (2). Last evaluated 2024-12-16.

Conditions:
Glycogen storage disease IXd (GSD9D). Also called: Muscle Phosphorylase Kinase Deficiency; GSD IXd. Identifiers: Orphanet 715, MedGen C1845151, MONDO:0010362, OMIM 300559.

Allele frequency attached by ClinVar (database versions not stated): ExAC 0.00001; gnomAD 0.00001; gnomAD exomes 0.00001; TOPMed 0.00002.
gnomAD v4.1: 12 of 1,201,686 alleles (0.001%); highest among the groups gnomAD compares: Non-Finnish European, 0.0012%; no homozygotes.

Submissions (2):

Labcorp Genetics (formerly Invitae), Labcorp
Classification: Uncertain significance for Glycogen storage disease IXd. Last evaluated: 2024-12-16. Review status: criteria provided, single submitter. Criteria: Invitae Variant Classification Sherloc (09022015). Collection method: clinical testing. Allele origin: germline.
Comment: This sequence change replaces proline, which is neutral and non-polar, with leucine, which is neutral and non-polar, at codon 1119 of the PHKA1 protein (p.Pro1119Leu). This variant is present in population databases (rs782283276, gnomAD 0.004%). This variant has not been reported in the literature in individuals affected with PHKA1-related conditions. ClinVar contains an entry for this variant (Variation ID: 2188309). An algorithm developed to predict the effect of missense changes on protein structure and function (PolyPhen-2) suggests that this variant is likely to be disruptive. In summary, the available evidence is currently insufficient to determine the role of this variant in disease. Therefore, it has been classified as a Variant of Uncertain Significance.

Revvity Omics, Revvity
Classification: Uncertain significance for Glycogen storage disease IXd. Last evaluated: 2022-06-17. Review status: criteria provided, single submitter. Criteria: ACMG Guidelines, 2015. Collection method: clinical testing. Allele origin: germline.

NM_002637.4(PHKA1):c.3356C>T (p.Pro1119Leu)

Gene: PHKA1 (phosphorylase kinase regulatory subunit alpha 1; minus strand). Cytogenetic location: Xq13.1.
Variant type: single nucleotide variant.
Coding change: c.3356C>T on transcript NM_002637.4 (MANE Select); coding-DNA position 3356, C replaced by T.
Protein change: p.Pro1119Leu; replaces proline 1119 with leucine.
Molecular consequence: missense variant.
Genome position (GRCh38, 1-based): chrX:72,582,540, G>A on the plus strand (C>T on the coding strand, the complement: PHKA1 is on the minus strand). VCF-style: chrX-72582540-G-A. GRCh37 (hg19) VCF-style: chrX-71802390-G-A.
Other names: c.3317C>T, p.Pro1106Leu (NM_001122670.2); c.3140C>T, p.Pro1047Leu (NM_001172436.2); short protein forms P1119L, P1047L, P1106L.
Identifiers: ClinVar variation 2188309 (VCV002188309.7), dbSNP rs782283276, ClinGen allele CA10450473.